The following is an entry in ClinVar:

NM_032447.5(FBN3):c.6014A>G (p.Asn2005Ser)

Gene: FBN3 (fibrillin 3; minus strand). Cytogenetic location: 19p13.2.
Variant type: single nucleotide variant.
Coding change: c.6014A>G on transcript NM_032447.5 (MANE Select); coding-DNA position 6014, A replaced by G.
Protein change: p.Asn2005Ser; replaces asparagine 2005 with serine.
Molecular consequence: missense variant.
Genome position (GRCh38, 1-based): chr19:8,091,482, T>C on the plus strand (A>G on the coding strand, the complement: FBN3 is on the minus strand). VCF-style: chr19-8091482-T-C. GRCh37 (hg19) VCF-style: chr19-8156366-T-C.
Other names: c.6014A>G, p.Asn2005Ser (NM_001321431.2); short protein forms N2005S.
Identifiers: ClinVar variation 3613429 (VCV003613429.2).

ClinVar aggregate classification (germline): Uncertain significance (1 of 4 stars; one submission).

gnomAD v4.1: 2 of 1,592,176 alleles (0.00013%); highest among the groups gnomAD compares: African/African-American, 0.0027%; no homozygotes.

Submission:

Labcorp Genetics (formerly Invitae), Labcorp
Classification: Uncertain significance. Last evaluated: 2024-04-09. Review status: criteria provided, single submitter. Criteria: Invitae Variant Classification Sherloc (09022015). Collection method: clinical testing. Allele origin: germline.
Comment: This sequence change replaces asparagine, which is neutral and polar, with serine, which is neutral and polar, at codon 2005 of the FBN3 protein (p.Asn2005Ser). This variant is present in population databases (rs17202741, gnomAD 0.007%). This variant has not been reported in the literature in individuals affected with FBN3-related conditions. Advanced modeling of protein sequence and biophysical properties (such as structural, functional, and spatial information, amino acid conservation, physicochemical variation, residue mobility, and thermodynamic stability) performed at Invitae indicates that this missense variant is not expected to disrupt FBN3 protein function with a negative predictive value of 80%. In summary, the available evidence is currently insufficient to determine the role of this variant in disease. Therefore, it has been classified as a Variant of Uncertain Significance.